The following is an entry in ClinVar:

NM_000051.4(ATM):c.6573-2A>G

Genes: C11orf65 (chromosome 11 open reading frame 65; minus strand), ATM (ATM serine/threonine kinase; plus strand). Cytogenetic location: 11q22.3.
Variant type: single nucleotide variant.
Coding change: c.6573-2A>G on transcript NM_000051.4 (MANE Select); the canonical splice acceptor site of the intron before coding-DNA position 6573, A replaced by G.
Molecular consequence: splice acceptor variant. On other transcripts: intron variant (2).
Genome position (GRCh38, 1-based): chr11:108,325,308, A>G. VCF-style: chr11-108325308-A-G. GRCh37 (hg19) VCF-style: chr11-108196035-A-G.
Other names: c.6573-2A>G (NM_001351834.2); c.641-16237T>C (NM_001330368.2); c.*38+9912T>C (NM_001351110.2).
Identifiers: ClinVar variation 453636 (VCV000453636.18), dbSNP rs751168951, ClinGen allele CA6265987.

ClinVar aggregate classification (germline): Pathogenic/Likely pathogenic. Review status: criteria provided, multiple submitters, no conflicts (2 of 4 stars). 7 submissions from 7 submitters: Pathogenic (1); Likely pathogenic (6). Last evaluated 2026-01-20.

Conditions:
Hereditary cancer-predisposing syndrome. Also called: Neoplastic Syndromes, Hereditary; Hereditary Cancer Syndrome; Tumor predisposition; Hereditary neoplastic syndrome. Identifiers: Orphanet 140162, MedGen C0027672, MeSH D009386, MONDO:0015356.
Familial cancer of breast. Also called: Hereditary breast cancer; BREAST CANCER, FAMILIAL; hereditary breast carcinoma. Identifiers: Orphanet 227535, MedGen C0346153, MONDO:0016419, OMIM 114480. Disease mechanism: loss of function.
Ataxia-telangiectasia syndrome (AT). Also called: LOUIS-BAR SYNDROME; Cerebello-oculocutaneous telangiectasia; Immunodeficiency with ataxia telangiectasia; Ataxia-telangiectasia, complementation group D; AT, COMPLEMENTATION GROUP C; Ataxia-telangiectasia, complementation group E. Identifiers: Orphanet 100, MedGen C0004135, MONDO:0008840, OMIM 208900.

Allele frequency attached by ClinVar (database versions not stated): ExAC 0.00002; gnomAD exomes below 0.00001 and 0.00001.
gnomAD v4.1: 2 of 1,522,020 alleles (0.00013%); highest among the groups gnomAD compares: Admixed American, 0.0034%; no homozygotes.

Submissions (7):

Natera, Inc.
Classification: Likely pathogenic for Ataxia-telangiectasia. Last evaluated: 2026-01-20. Review status: criteria provided, single submitter. Criteria: Natera Variant Classification Schema (03/2026). Collection method: clinical testing. Allele origin: germline.
Comment: The c.6573-2A>G variant in ATM is a canonical splice acceptor site variant predicted to affect pre-mRNA splicing, which may result in an abnormal transcript and altered protein product. This variant is expected to result in nonsense mediated decay, truncation, or a dysfunctional protein product. This variant is rare in the general population with a frequency below the threshold expected for the associated phenotype(s). Given the available evidence, this variant is classified as Likely Pathogenic.

Labcorp Genetics (formerly Invitae), Labcorp
Classification: Likely pathogenic for Ataxia-telangiectasia syndrome. Last evaluated: 2025-12-29. Review status: criteria provided, single submitter. Criteria: Invitae Variant Classification Sherloc (09022015). Collection method: clinical testing. Allele origin: germline.
Comment: This sequence change affects an acceptor splice site in intron 45 of the ATM gene. It is expected to disrupt RNA splicing. Variants that disrupt the donor or acceptor splice site typically lead to a loss of protein function (PMID: 16199547), and loss-of-function variants in ATM are known to be pathogenic (PMID: 23807571, 25614872). This variant is present in population databases (rs751168951, gnomAD 0.006%). Disruption of this splice site has been observed in individual(s) with ATM-related conditions (internal data). ClinVar contains an entry for this variant (Variation ID: 453636). Algorithms developed to predict the effect of sequence changes on RNA splicing suggest that this variant may disrupt the consensus splice site. In summary, the currently available evidence indicates that the variant is pathogenic, but additional data are needed to prove that conclusively. Therefore, this variant has been classified as Likely Pathogenic.

Quest Diagnostics Nichols Institute San Juan Capistrano
Classification: Pathogenic. Last evaluated: 2025-06-23. Review status: criteria provided, single submitter. Criteria: Quest Diagnostics criteria. Collection method: clinical testing. Allele origin: unknown.
Comment: The ATM c.6573-2A>G variant disrupts a canonical splice-acceptor site and interferes with normal ATM mRNA splicing. This variant has been reported in the published literature in an individual with hepatocellular carcinoma (PMID: 38348036 (2024)). The frequency of this variant in the general population (Genome Aggregation Database) is consistent with pathogenicity. Based on the available information, this variant is classified as pathogenic.

Ambry Genetics
Classification: Likely pathogenic for Hereditary cancer-predisposing syndrome. Last evaluated: 2024-06-19. Review status: criteria provided, single submitter. Criteria: Ambry Variant Classification Scheme 2023. Collection method: clinical testing. Allele origin: germline.
Comment: The c.6573-2A>G intronic variant results from an A to G substitution two nucleotides upstream from coding exon 45 in the ATM gene. This nucleotide position is highly conserved in available vertebrate species. In silico splice site analysis predicts that this alteration will weaken the native splice acceptor site and will result in the creation or strengthening of a novel splice acceptor site. RNA studies have demonstrated that this alteration results in abnormal splicing in the set of samples tested (Ambry internal data). Alterations that disrupt the canonical splice site are expected to cause aberrant splicing, resulting in an abnormal protein or a transcript that is subject to nonsense-mediated mRNA decay. As such, this alteration is classified as likely pathogenic.

Myriad Genetics, Inc.
Classification: Likely pathogenic for Familial cancer of breast. Last evaluated: 2024-01-30. Review status: criteria provided, single submitter. Criteria: Myriad Autosomal Dominant, Autosomal Recessive and X-Linked Classification Criteria (2023). Collection method: clinical testing. Allele origin: unknown.
Comment: This variant is considered likely pathogenic. This variant occurs within a consensus splice junction and is predicted to result in abnormal mRNA splicing of either an out-of-frame exon or an in-frame exon necessary for protein stability and/or normal function.

Women's Health and Genetics/Laboratory Corporation of America, LabCorp
Classification: Likely pathogenic for Ataxia-telangiectasia syndrome. Last evaluated: 2023-12-21. Review status: criteria provided, single submitter. Criteria: LabCorp Variant Classification Summary - May 2015. Collection method: clinical testing. Allele origin: germline.
Comment: Variant summary: ATM c.6573-2A>G is located in a canonical splice-site and is predicted to affect mRNA splicing resulting in a significantly altered protein due to either exon skipping, shortening, or inclusion of intronic material. Several computational tools predict a significant impact on normal splicing: Three predict the variant abolishes a 3' acceptor site. One predict the variant creates a 3' acceptor site. However, these predictions have yet to be confirmed by functional studies. The variant allele was found at a frequency of 8e-06 in 248902 control chromosomes. To our knowledge, c.6573-2A>G has not been reported in the literature in individuals affected with Ataxia-Telangiectasia and no experimental evidence demonstrating an impact on protein function has been reported. The following publications have been ascertained in the context of this evaluation (PMID: 25614872, 29922827, 26098866, 31206626). Two submitters have cited clinical-significance assessments for this variant to ClinVar after 2014. All submitters classified the variant as likely pathogenic. Based on the evidence outlined above, the variant was classified as likely pathogenic.

Baylor Genetics
Classification: Likely pathogenic for Familial cancer of breast. Last evaluated: 2023-03-23. Review status: criteria provided, single submitter. Criteria: ACMG Guidelines, 2015. Collection method: clinical testing. Allele origin: unknown.

Literature cited by the submitters: PubMed 16199547 (cited by Labcorp Genetics (formerly Invitae), Labcorp); PubMed 23807571 (cited by Labcorp Genetics (formerly Invitae), Labcorp); PubMed 25614872 (cited by Labcorp Genetics (formerly Invitae), Labcorp and Women's Health and Genetics/Laboratory Corporation of America, LabCorp); PubMed 29922827 (cited by Women's Health and Genetics/Laboratory Corporation of America, LabCorp); PubMed 26098866 (cited by Women's Health and Genetics/Laboratory Corporation of America, LabCorp); PubMed 31206626 (cited by Women's Health and Genetics/Laboratory Corporation of America, LabCorp).